The following is an entry in ClinVar:

ClinVar aggregate classification (germline): Uncertain significance. Review status: criteria provided, multiple submitters, no conflicts (2 of 4 stars). 7 submissions from 7 submitters: Uncertain significance (7). Last evaluated 2025-04-28.

Conditions:
Hereditary cancer-predisposing syndrome. Also called: Neoplastic Syndromes, Hereditary; Hereditary neoplastic syndrome; Tumor predisposition; Hereditary Cancer Syndrome. Identifiers: Orphanet 140162, MedGen C0027672, MeSH D009386, MONDO:0015356.
Familial cancer of breast. Also called: hereditary breast carcinoma; Hereditary breast cancer; BREAST CANCER, FAMILIAL. Identifiers: Orphanet 227535, MedGen C0346153, MONDO:0016419, OMIM 114480. Disease mechanism: loss of function.
Ataxia-telangiectasia syndrome (AT). Also called: Ataxia telangiectasia (A-T); Cerebello-oculocutaneous telangiectasia; Immunodeficiency with ataxia telangiectasia; LOUIS-BAR SYNDROME; AT, COMPLEMENTATION GROUP C; ATAXIA-TELANGIECTASIA, FRESNO VARIANT. Identifiers: Orphanet 100, MedGen C0004135, MONDO:0008840, OMIM 208900.

gnomAD v4.1: 4 of 1,611,840 alleles (0.00025%); highest among the groups gnomAD compares: Non-Finnish European, 0.00034%; no homozygotes.

Submissions (7):

Color Diagnostics, LLC DBA Color Health
Classification: Uncertain significance for Hereditary cancer-predisposing syndrome. Last evaluated: 2025-04-28. Review status: criteria provided, single submitter. Criteria: ACMG Guidelines, 2015. Collection method: clinical testing. Allele origin: germline.
Comment: This missense variant replaces leucine with phenylalanine at codon 2073 of the ATM protein. Computational prediction suggests that this variant may not impact protein structure and function. To our knowledge, functional studies have not been reported for this variant. This variant has been reported in individuals with a personal and/or family history of breast cancer (PMID: 34282249, 35534704). This variant has been identified in 1/251372 chromosomes in the general population by the Genome Aggregation Database (gnomAD). The available evidence is insufficient to determine the role of this variant in disease conclusively. Therefore, this variant is classified as a Variant of Uncertain Significance.

Labcorp Genetics (formerly Invitae), Labcorp
Classification: Uncertain significance for Ataxia-telangiectasia syndrome. Last evaluated: 2024-11-27. Review status: criteria provided, single submitter. Criteria: Invitae Variant Classification Sherloc (09022015). Collection method: clinical testing. Allele origin: germline.
Comment: This sequence change replaces leucine, which is neutral and non-polar, with phenylalanine, which is neutral and non-polar, at codon 2073 of the ATM protein (p.Leu2073Phe). This variant is present in population databases (no rsID available, gnomAD 0.0009%). This missense change has been observed in individual(s) with breast cancer (PMID: 35534704). ClinVar contains an entry for this variant (Variation ID: 230576). Invitae Evidence Modeling of protein sequence and biophysical properties (such as structural, functional, and spatial information, amino acid conservation, physicochemical variation, residue mobility, and thermodynamic stability) indicates that this missense variant is not expected to disrupt ATM protein function with a negative predictive value of 95%. In summary, the available evidence is currently insufficient to determine the role of this variant in disease. Therefore, it has been classified as a Variant of Uncertain Significance.

Ambry Genetics
Classification: Uncertain significance for Hereditary cancer-predisposing syndrome. Last evaluated: 2024-11-18. Review status: criteria provided, single submitter. Criteria: Ambry Variant Classification Scheme 2023. Collection method: clinical testing. Allele origin: germline.
Comment: The p.L2073F variant (also known as c.6217C>T), located in coding exon 42 of the ATM gene, results from a C to T substitution at nucleotide position 6217. The leucine at codon 2073 is replaced by phenylalanine, an amino acid with highly similar properties. This variant was reported in an individual with a personal and family history of breast cancer; however, an additional ATM variant was also reported in this individual (phase unknown) (de Oliveira JM et al. Eur J Hum Genet, 2022 Jul;30:818-823). This amino acid position is highly conserved in available vertebrate species. In addition, the in silico prediction for this alteration is inconclusive. Based on the available evidence, the clinical significance of this variant remains unclear.

Baylor Genetics
Classification: Uncertain significance for Familial cancer of breast. Last evaluated: 2023-06-01. Review status: criteria provided, single submitter. Criteria: ACMG Guidelines, 2015. Collection method: clinical testing. Allele origin: unknown.

Mendelics
Classification: Uncertain significance. Last evaluated: 2022-05-04. Review status: criteria provided, single submitter. Criteria: Mendelics Assertion Criteria 2019. Collection method: clinical testing. Allele origin: germline.

Women's Health and Genetics/Laboratory Corporation of America, LabCorp
Classification: Uncertain significance. Last evaluated: 2022-03-19. Review status: criteria provided, single submitter. Criteria: LabCorp Variant Classification Summary - May 2015. Collection method: clinical testing. Allele origin: germline.
Comment: Variant summary: ATM c.6217C>T (p.Leu2073Phe) results in a non-conservative amino acid change in the encoded protein sequence. Four of five in-silico tools predict a damaging effect of the variant on protein function. The variant allele was found at a frequency of 4e-06 in 251372 control chromosomes. The available data on variant occurrences in the general population are insufficient to allow any conclusion about variant significance. To our knowledge, no occurrence of c.6217C>T in individuals affected with Ataxia-Telangiectasia and no experimental evidence demonstrating its impact on protein function have been reported. Four clinical diagnostic laboratories have submitted clinical-significance assessments for this variant to ClinVar after 2014 without evidence for independent evaluation. All laboratories classified the variant as uncertain significance. Based on the evidence outlined above, the variant was classified as uncertain significance.

Illumina Laboratory Services, Illumina
Classification: Uncertain significance for Ataxia-telangiectasia syndrome. Last evaluated: 2018-01-12. Review status: criteria provided, single submitter. Criteria: ICSL Variant Classification Criteria 13 December 2019. Collection method: clinical testing. Allele origin: germline.

Literature cited by the submitters: PubMed 34282249 (cited by Color Diagnostics, LLC DBA Color Health); PubMed 35534704 (cited by 3 submitters).

NM_000051.4(ATM):c.6217C>T (p.Leu2073Phe)

Genes: C11orf65 (chromosome 11 open reading frame 65; minus strand), ATM (ATM serine/threonine kinase; plus strand). Cytogenetic location: 11q22.3.
Variant type: single nucleotide variant.
Coding change: c.6217C>T on transcript NM_000051.4 (MANE Select); coding-DNA position 6217, C replaced by T.
Protein change: p.Leu2073Phe; replaces leucine 2073 with phenylalanine.
Molecular consequence: missense variant. On other transcripts: intron variant (2).
Genome position (GRCh38, 1-based): chr11:108,317,391, C>T. VCF-style: chr11-108317391-C-T. GRCh37 (hg19) VCF-style: chr11-108188118-C-T.
Other names: c.6217C>T, p.Leu2073Phe (NM_001351834.2); c.641-8320G>A (NM_001330368.2); c.*39-8320G>A (NM_001351110.2); short protein forms L2073F.
Identifiers: ClinVar variation 230576 (VCV000230576.27), dbSNP rs767406075, ClinGen allele CA10579214.